The following is an entry in ClinVar:

ClinVar aggregate classification (germline): Uncertain significance. Review status: criteria provided, multiple submitters, no conflicts (2 of 4 stars). 6 submissions from 5 submitters: Uncertain significance (6). Last evaluated 2025-02-08.

Conditions:
Isolated focal cortical dysplasia type II (FCORD2). Also called: CORTICAL DYSPLASIA OF TAYLOR; Focal cortical dysplasia type II. Identifiers: Orphanet 268994, MedGen C1846385, MONDO:0011818, OMIM 607341, HP:0032051.
Tuberous sclerosis 1 (TSC1). Identifiers: Orphanet 805, MedGen C1854465, MONDO:0008612, OMIM 191100.
Hereditary cancer-predisposing syndrome. Also called: Hereditary Cancer Syndrome; Tumor predisposition; Hereditary neoplastic syndrome; Neoplastic Syndromes, Hereditary. Identifiers: Orphanet 140162, MedGen C0027672, MeSH D009386, MONDO:0015356.

Allele frequency attached by ClinVar (database versions not stated): gnomAD exomes below 0.00001.
gnomAD v4.1: 1 of 1,614,066 alleles (0.000062%); highest among the groups gnomAD compares: Non-Finnish European, 0.000085%; no homozygotes.

Submissions (6):

Ambry Genetics
Classification: Uncertain significance for Hereditary cancer-predisposing syndrome. Last evaluated: 2025-02-08. Review status: criteria provided, single submitter. Criteria: Ambry Variant Classification Scheme 2023. Collection method: clinical testing. Allele origin: germline.
Comment: The p.I157V variant (also known as c.469A>G), located in coding exon 4 of the TSC1 gene, results from an A to G substitution at nucleotide position 469. The isoleucine at codon 157 is replaced by valine, an amino acid with highly similar properties. This amino acid position is highly conserved in available vertebrate species. In addition, the in silico prediction for this alteration is inconclusive. Based on the available evidence, the clinical significance of this variant remains unclear.

Revvity Omics, Revvity
Classification: Uncertain significance. Last evaluated: 2024-08-28. Review status: criteria provided, single submitter. Criteria: ACMG Guidelines, 2015. Collection method: clinical testing. Allele origin: germline.

Genome-Nilou Lab
Classification: Uncertain significance for Tuberous sclerosis 1. Last evaluated: 2021-11-07. Review status: criteria provided, single submitter. Criteria: ACMG Guidelines, 2015. Collection method: clinical testing. Allele origin: germline. Affected: no.

Labcorp Genetics (formerly Invitae), Labcorp
Classification: Uncertain significance for Tuberous sclerosis 1. Last evaluated: 2021-01-02. Review status: criteria provided, single submitter. Criteria: Invitae Variant Classification Sherloc (09022015). Collection method: clinical testing. Allele origin: germline.
Comment: This variant is not present in population databases (ExAC no frequency). In summary, the available evidence is currently insufficient to determine the role of this variant in disease. Therefore, it has been classified as a Variant of Uncertain Significance. Algorithms developed to predict the effect of missense changes on protein structure and function (SIFT, PolyPhen-2, Align-GVGD) all suggest that this variant is likely to be tolerated, but these predictions have not been confirmed by published functional studies and their clinical significance is uncertain. This variant has not been reported in the literature in individuals with TSC1-related conditions. This sequence change replaces isoleucine with valine at codon 157 of the TSC1 protein (p.Ile157Val). The isoleucine residue is moderately conserved and there is a small physicochemical difference between isoleucine and valine.

Illumina Laboratory Services, Illumina
Classification: Uncertain significance for Tuberous sclerosis 1. Last evaluated: 2018-01-12. Review status: criteria provided, single submitter. Criteria: ICSL Variant Classification Criteria 13 December 2019. Collection method: clinical testing. Allele origin: germline.

Illumina Laboratory Services, Illumina
Classification: Uncertain significance for Isolated focal cortical dysplasia type II. Last evaluated: 2018-01-12. Review status: criteria provided, single submitter. Criteria: ICSL Variant Classification Criteria 13 December 2019. Collection method: clinical testing. Allele origin: germline.

NM_000368.5(TSC1):c.469A>G (p.Ile157Val)

Gene: TSC1 (TSC complex subunit 1; minus strand). Cytogenetic location: 9q34.13.
Variant type: single nucleotide variant.
Coding change: c.469A>G on transcript NM_000368.5 (MANE Select); coding-DNA position 469, A replaced by G.
Protein change: p.Ile157Val; replaces isoleucine 157 with valine.
Molecular consequence: missense variant.
Genome position (GRCh38, 1-based): chr9:132,923,387, T>C on the plus strand (A>G on the coding strand, the complement: TSC1 is on the minus strand). VCF-style: chr9-132923387-T-C. GRCh37 (hg19) VCF-style: chr9-135798774-T-C.
Other names: c.469A>G, p.Ile157Val (NM_001162426.2); c.316A>G, p.Ile106Val (NM_001162427.2); c.106A>G, p.Ile36Val (NM_001362177.2); short protein forms I106V, I36V, I157V.
Identifiers: ClinVar variation 912490 (VCV000912490.20), dbSNP rs1846673273, ClinGen allele CA375373271.